The following is an entry in ClinVar:

NM_020831.6(MRTFA):c.1949G>T (p.Arg650Leu)

Gene: MRTFA (myocardin related transcription factor A; minus strand). Cytogenetic location: 22q13.1.
Variant type: single nucleotide variant.
Coding change: c.1949G>T on transcript NM_020831.6 (MANE Select); coding-DNA position 1949, G replaced by T.
Protein change: p.Arg650Leu; replaces arginine 650 with leucine.
Molecular consequence: missense variant.
Genome position (GRCh38, 1-based): chr22:40,418,789, C>A on the plus strand (G>T on the coding strand, the complement: MRTFA is on the minus strand). VCF-style: chr22-40418789-C-A. GRCh37 (hg19) VCF-style: chr22-40814793-C-A.
Other names: c.1649G>T, p.Arg550Leu (NM_001282660.2); c.1799G>T, p.Arg600Leu (NM_001282661.3); c.1949G>T, p.Arg650Leu (NM_001282662.3); c.1754G>T, p.Arg585Leu (NM_001318139.2); short protein forms R585L, R600L, R550L, R650L.
Identifiers: ClinVar variation 1964386 (VCV001964386.5), dbSNP rs377354099, ClinGen allele CA411659176.

ClinVar aggregate classification (germline): Uncertain significance (1 of 4 stars; one submission).

gnomAD v4.1: 1 of 1,588,850 alleles (0.000063%); highest among the groups gnomAD compares: Admixed American, 0.0017%; no homozygotes.

Submission:

Labcorp Genetics (formerly Invitae), Labcorp
Classification: Uncertain significance. Last evaluated: 2022-06-24. Review status: criteria provided, single submitter. Criteria: Invitae Variant Classification Sherloc (09022015). Collection method: clinical testing. Allele origin: germline.
Comment: In summary, the available evidence is currently insufficient to determine the role of this variant in disease. Therefore, it has been classified as a Variant of Uncertain Significance. Algorithms developed to predict the effect of missense changes on protein structure and function output the following: SIFT: "Tolerated"; PolyPhen-2: "Benign"; Align-GVGD: "Class C0". The leucine amino acid residue is found in multiple mammalian species, which suggests that this missense change does not adversely affect protein function. This variant has not been reported in the literature in individuals affected with MKL1-related conditions. The frequency data for this variant in the population databases is considered unreliable, as metrics indicate poor data quality at this position in the gnomAD database. This sequence change replaces arginine, which is basic and polar, with leucine, which is neutral and non-polar, at codon 550 of the MKL1 protein (p.Arg550Leu).